The following is an entry in ClinVar:

NM_002693.3(POLG):c.386C>T (p.Pro129Leu)

Genes: POLG (DNA polymerase gamma, catalytic subunit; minus strand), POLGARF (POLG alternative reading frame; minus strand). Cytogenetic location: 15q26.1.
Variant type: single nucleotide variant.
Coding change: c.386C>T on transcript NM_002693.3 (MANE Select); coding-DNA position 386, C replaced by T.
Protein change: p.Pro129Leu; replaces proline 129 with leucine.
Molecular consequence: missense variant.
Genome position (GRCh38, 1-based): chr15:89,333,369, G>A on the plus strand (C>T on the coding strand, the complement: POLG is on the minus strand). VCF-style: chr15-89333369-G-A. GRCh37 (hg19) VCF-style: chr15-89876600-G-A.
Other names: c.386C>T, p.Pro129Leu (NM_001126131.2); short protein forms P129L.
Identifiers: ClinVar variation 2671730 (VCV002671730.1), dbSNP rs2509275602, ClinGen allele CA393772120.

ClinVar aggregate classification (germline): Uncertain significance (1 of 4 stars; one submission).

Conditions:
Progressive sclerosing poliodystrophy (MTDPS4A). Also called: ALPERS PROGRESSIVE INFANTILE POLIODYSTROPHY; NEURONAL DEGENERATION OF CHILDHOOD WITH LIVER DISEASE, PROGRESSIVE; Mitochondrial DNA depletion syndrome 4A (Alpers type); Mitochondrial DNA Depletion Syndrome 4A; Alpers-Huttenlocher Syndrome (AHS); Alpers Syndrome. Identifiers: Orphanet 726, MedGen C0205710, MONDO:0008758, OMIM 203700.

Submission:

Neuberg Centre For Genomic Medicine, NCGM
Classification: Uncertain significance for Progressive sclerosing poliodystrophy. Last evaluated: 2023-02-14. Review status: criteria provided, single submitter. Criteria: ACMG Guidelines, 2015. Collection method: clinical testing. Allele origin: germline. Inheritance: Autosomal recessive inheritance. Affected: yes.
Comment: The missense c.386C>T(p.Pro129Leu) variant in POLG gene has not been reported previously as a pathogenic variant nor as a benign variant, to our knowledge. The p.Pro129Leu variant is novel (not in any individuals) in gnomAD Exomes and 1000 Genomes. This variant has not been reported to the ClinVar database. The amino acid change p.Pro129Leu in POLG is predicted as conserved by GERP++ and PhyloP across 100 vertebrates. The amino acid Pro at position 129 is changed to a Leu changing protein sequence and it might alter its composition and physico-chemical properties. For these reasons, this variant has been classified as Variant of Uncertain Significance (VUS).